The following is an entry in ClinVar:

NM_000174.5(GP9):c.437_474dup (p.Ala159fs)

Gene: GP9 (glycoprotein IX platelet; plus strand). Cytogenetic location: 3q21.3.
Variant type: Duplication.
Coding change: c.437_474dup on transcript NM_000174.5 (MANE Select); coding-DNA positions 437 to 474, 38 bases duplicated.
Protein change: p.Ala159fs; shifts the reading frame from alanine 159.
Molecular consequence: frameshift variant.
Genome position (GRCh38, 1-based): chr3:129,062,176-129,062,213, 38 bases duplicated; duplicating any 38 consecutive bases within chr3:129,062,173-129,062,213 gives the same sequence; the c. name uses the placement nearest the transcript's 3' end. GRCh37 (hg19): chr3:128,781,019-128,781,056.
Other names: NM_000174.5:c.437_474dup; short protein forms A159fs.
Identifiers: ClinVar variation 4088264 (VCV004088264.1).

ClinVar aggregate classification (germline): Likely pathogenic (3 of 4 stars; one submission).

Conditions:
Bernard Soulier syndrome (BSS). Also called: GLYCOPROTEIN Ib, PLATELET, DEFICIENCY OF; PLATELET GLYCOPROTEIN Ib DEFICIENCY; VON WILLEBRAND FACTOR RECEPTOR DEFICIENCY; Giant platelet syndrome; Hemorrhagiparous thrombocytic dystrophy; Giant platelet disease. Identifiers: Orphanet 274, MedGen C0005129, MeSH D001606, MONDO:0009276, OMIM 231200.

Submission:

ClinGen Platelet Disorders Variant Curation Expert Panel, ClinGen
Classification: Likely pathogenic for Bernard Soulier syndrome. Last evaluated: 2025-06-19. Review status: reviewed by expert panel. Criteria: ClinGen Platelet ACMG Specifications GP9 V1.0.0. Collection method: curation. Allele origin: germline. Inheritance: Autosomal recessive inheritance.
Comment: The c.437_474dup (p.Ala159ArgfsTer?) variant in GP9 is a frameshift variant that does not cause a premature stop codon , however the elongation includes the functionally important transmembrane domain of amino acids 148-169 in a gene where loss-of-function is an established disease mechanism (PVS1_Strong). At least one patient (Patient BS-12 in PMID: 21699652) with this variant had aggregation absent for ristocetin and present for all other agonists, which is highly specific for Bernard-Soulier syndrome Additionally, the patient had excessive mucocutaneous bleeding which is consistent with Bernard-Soulier syndrome (PP4). This variant is absent from gnomAD v4.1.0 (PM2_Supporting). In summary, this variant meets the criteria to be classified as Likely Pathogenic for autosomal recessive Bernard-Soulier syndrome based on the ACMG/AMP criteria applied, as specified by the ClinGen PD VCEP: PVS1_Strong, PP4, PM3_Supporting and PM2_Supporting (VCEP specifications version 2; date of approval xx/xx/xxxx).